The following is an entry in ClinVar:

NM_000260.4(MYO7A):c.2157G>A (p.Trp719Ter)

Gene: MYO7A (myosin VIIA; plus strand). Cytogenetic location: 11q13.5.
Variant type: single nucleotide variant.
Coding change: c.2157G>A on transcript NM_000260.4 (MANE Select); coding-DNA position 2157, G replaced by A.
Protein change: p.Trp719Ter; replaces tryptophan 719 with a stop codon.
Molecular consequence: nonsense.
Genome position (GRCh38, 1-based): chr11:77,175,434, G>A. VCF-style: chr11-77175434-G-A. GRCh37 (hg19) VCF-style: chr11-76886480-G-A.
Other names: c.2157G>A, p.Trp719Ter (NM_001127180.2); c.2124G>A, p.Trp708Ter (NM_001369365.1); short protein forms W708*, W719*.
Identifiers: ClinVar variation 983802 (VCV000983802.7), dbSNP rs1461201353, ClinGen allele CA381939722.

ClinVar aggregate classification (germline): Pathogenic/Likely pathogenic. Review status: criteria provided, multiple submitters, no conflicts (2 of 4 stars). 2 submissions from 2 submitters: Pathogenic (1); Likely pathogenic (1). Last evaluated 2022-05-31.

Conditions:
Usher syndrome type 1 (USH1). Also called: RETINITIS PIGMENTOSA AND CONGENITAL DEAFNESS. Identifiers: Orphanet 231169, Orphanet 886, MedGen C1568247, MONDO:0010168, OMIM 276900.

Allele frequency attached by ClinVar (database versions not stated): gnomAD 0.00001; TOPMed below 0.00001.
gnomAD v4.1: 2 of 1,613,248 alleles (0.00012%); highest among the groups gnomAD compares: African/African-American, 0.0027%; no homozygotes.

Submissions (2):

Labcorp Genetics (formerly Invitae), Labcorp
Classification: Pathogenic. Last evaluated: 2022-05-31. Review status: criteria provided, single submitter. Criteria: Invitae Variant Classification Sherloc (09022015). Collection method: clinical testing. Allele origin: germline.
Comment: This sequence change creates a premature translational stop signal (p.Trp719*) in the MYO7A gene. It is expected to result in an absent or disrupted protein product. Loss-of-function variants in MYO7A are known to be pathogenic (PMID: 8900236, 25404053). This variant is present in population databases (no rsID available, gnomAD 0.01%). This variant has not been reported in the literature in individuals affected with MYO7A-related conditions. ClinVar contains an entry for this variant (Variation ID: 983802). For these reasons, this variant has been classified as Pathogenic.

Myriad Genetics, Inc.
Classification: Likely pathogenic for Usher syndrome type 1. Last evaluated: 2020-03-30. Review status: criteria provided, single submitter. Criteria: Myriad Women's Health Autosomal Recessive and X-Linked Classification Criteria (2019). Collection method: clinical testing. Allele origin: unknown.
Comment: NM_000260.3(MYO7A):c.2157G>A(W719*) is expected to be pathogenic in the context of MYO7A-related disorders. This variant is predicted to lead to an abnormal or absent protein product due to the creation of a premature termination codon in MYO7A, a gene where loss-of-function variants are known to be pathogenic. Please note: this variant was assessed in the context of healthy population screening.

Literature cited by the submitters: PubMed 8900236 (cited by Labcorp Genetics (formerly Invitae), Labcorp); PubMed 25404053 (cited by Labcorp Genetics (formerly Invitae), Labcorp).